The following is an entry in ClinVar:

NM_001366385.1(CARD14):c.605C>T (p.Ser202Leu)

Gene: CARD14 (caspase recruitment domain family member 14; plus strand). Cytogenetic location: 17q25.3.
Variant type: single nucleotide variant.
Coding change: c.605C>T on transcript NM_001366385.1 (MANE Select); coding-DNA position 605, C replaced by T.
Protein change: p.Ser202Leu; replaces serine 202 with leucine.
Molecular consequence: missense variant. On other transcripts: non-coding transcript variant (1).
Genome position (GRCh38, 1-based): chr17:80,184,168, C>T. VCF-style: chr17-80184168-C-T. GRCh37 (hg19) VCF-style: chr17-78157967-C-T.
Other names: c.605C>T, p.Ser202Leu (NM_001257970.1, NM_024110.4); short protein forms S202L.
Identifiers: ClinVar variation 1372992 (VCV001372992.4), dbSNP rs749136532, ClinGen allele CA8816456.

ClinVar aggregate classification (germline): Uncertain significance (1 of 4 stars; one submission).

Conditions:
Pityriasis rubra pilaris (PRP). Also called: Pityriasis rubra pilaris--familial type. Identifiers: Orphanet 2897, MedGen C0032027, MONDO:0100017, OMIM 173200, MONDO:0008251.
Psoriasis 2. Identifiers: MedGen C1864497, MONDO:0011269, OMIM 602723.

Allele frequency attached by ClinVar (database versions not stated): gnomAD 0.00001; gnomAD exomes 0.00002; TOPMed 0.00003; ExAC 0.00004.
gnomAD v4.1: 24 of 1,563,756 alleles (0.0015%); highest among the groups gnomAD compares: Admixed American, 0.0076%; no homozygotes.

Submission:

Labcorp Genetics (formerly Invitae), Labcorp
Classification: Uncertain significance for Pityriasis rubra pilaris; Psoriasis 2. Last evaluated: 2026-01-05. Review status: criteria provided, single submitter. Criteria: Invitae Variant Classification Sherloc (09022015). Collection method: clinical testing. Allele origin: germline.
Comment: This sequence change replaces serine, which is neutral and polar, with leucine, which is neutral and non-polar, at codon 202 of the CARD14 protein (p.Ser202Leu). The frequency data for this variant in the population databases is considered unreliable, as metrics indicate poor data quality at this position in the gnomAD database. This variant has not been reported in the literature in individuals affected with CARD14-related conditions. ClinVar contains an entry for this variant (Variation ID: 1372992). Invitae Evidence Modeling of protein sequence and biophysical properties (such as structural, functional, and spatial information, amino acid conservation, physicochemical variation, residue mobility, and thermodynamic stability) indicates that this missense variant is not expected to disrupt CARD14 protein function with a negative predictive value of 95%. In summary, the available evidence is currently insufficient to determine the role of this variant in disease. Therefore, it has been classified as a Variant of Uncertain Significance.